The following is an entry in ClinVar:

ClinVar aggregate classification (germline): Uncertain significance (1 of 4 stars; one submission).

gnomAD v4.1: 8 of 1,613,564 alleles (0.0005%); highest among the groups gnomAD compares: South Asian, 0.0011%; no homozygotes.

Submission:

Labcorp Genetics (formerly Invitae), Labcorp
Classification: Uncertain significance. Last evaluated: 2024-10-03. Review status: criteria provided, single submitter. Criteria: Invitae Variant Classification Sherloc (09022015). Collection method: clinical testing. Allele origin: germline.
Comment: This sequence change replaces lysine, which is basic and polar, with methionine, which is neutral and non-polar, at codon 322 of the C3 protein (p.Lys322Met). This variant is present in population databases (rs746892541, gnomAD 0.003%). This variant has not been reported in the literature in individuals affected with C3-related conditions. Invitae Evidence Modeling of protein sequence and biophysical properties (such as structural, functional, and spatial information, amino acid conservation, physicochemical variation, residue mobility, and thermodynamic stability) has been performed for this missense variant. However, the output from this modeling did not meet the statistical confidence thresholds required to predict the impact of this variant on C3 protein function. In summary, the available evidence is currently insufficient to determine the role of this variant in disease. Therefore, it has been classified as a Variant of Uncertain Significance.

NM_000064.4(C3):c.965A>T (p.Lys322Met)

Gene: C3 (complement C3; minus strand). Cytogenetic location: 19p13.3.
Variant type: single nucleotide variant.
Coding change: c.965A>T on transcript NM_000064.4 (MANE Select); coding-DNA position 965, A replaced by T.
Protein change: p.Lys322Met; replaces lysine 322 with methionine.
Molecular consequence: missense variant.
Genome position (GRCh38, 1-based): chr19:6,713,227, T>A on the plus strand (A>T on the coding strand, the complement: C3 is on the minus strand). VCF-style: chr19-6713227-T-A. GRCh37 (hg19) VCF-style: chr19-6713238-T-A.
Other names: short protein forms K322M.
Identifiers: ClinVar variation 3666143 (VCV003666143.2).
Genomic context (GRCh38, chr19:6,713,227, plus strand): 5'-TGGCCTTCAGACTGGGCCTCACCTGAGTGCAAGATGACGGTGGCAGACACGTACAAAGAC[T>A]TCCCCACCAGGTCTTCTGCTCGGGGGTTCTGCACCCCGTCCAGCAGTACCTTCCGGCTCA-3'
Protein context (NP_000055.2, residues 312-332): QNPRAEDLVG[Lys322Met]SLYVSATVIL